The following is an entry in ClinVar:

ClinVar aggregate classification (germline): Uncertain significance (1 of 4 stars; one submission).

Conditions:
Hypertrophic cardiomyopathy. Also called: HYPERTROPHIC MYOCARDIOPATHY. Identifiers: Orphanet 217569, MedGen C0007194, MeSH D002312, MONDO:0005045, HP:0001639.

Submission:

Labcorp Genetics (formerly Invitae), Labcorp
Classification: Uncertain significance for Hypertrophic cardiomyopathy. Last evaluated: 2022-10-08. Review status: criteria provided, single submitter. Criteria: Invitae Variant Classification Sherloc (09022015). Collection method: clinical testing. Allele origin: germline.
Comment: In summary, the available evidence is currently insufficient to determine the role of this variant in disease. Therefore, it has been classified as a Variant of Uncertain Significance. Advanced modeling of protein sequence and biophysical properties (such as structural, functional, and spatial information, amino acid conservation, physicochemical variation, residue mobility, and thermodynamic stability) has been performed at Invitae for this missense variant, however the output from this modeling did not meet the statistical confidence thresholds required to predict the impact of this variant on MYH7 protein function. This variant has not been reported in the literature in individuals affected with MYH7-related conditions. This variant is not present in population databases (gnomAD no frequency). This sequence change replaces aspartic acid, which is acidic and polar, with glutamic acid, which is acidic and polar, at codon 1138 of the MYH7 protein (p.Asp1138Glu).

NM_000257.4(MYH7):c.3414C>G (p.Asp1138Glu)

Gene: MYH7 (myosin heavy chain 7; minus strand). Cytogenetic location: 14q11.2.
Variant type: single nucleotide variant.
Coding change: c.3414C>G on transcript NM_000257.4 (MANE Select); coding-DNA position 3414, C replaced by G.
Protein change: p.Asp1138Glu; replaces aspartic acid 1138 with glutamic acid.
Molecular consequence: missense variant.
Genome position (GRCh38, 1-based): chr14:23,420,157, G>C on the plus strand (C>G on the coding strand, the complement: MYH7 is on the minus strand). VCF-style: chr14-23420157-G-C. GRCh37 (hg19) VCF-style: chr14-23889366-G-C.
Other names: c.3414C>G, p.Asp1138Glu (NM_001407004.1); short protein forms D1138E.
Identifiers: ClinVar variation 1718672 (VCV001718672.5), dbSNP rs1566527962, ClinGen allele CA389043969.